The following is an entry in ClinVar:

ClinVar aggregate classification (germline): Uncertain significance. Review status: criteria provided, multiple submitters, no conflicts (2 of 4 stars). 2 submissions from 2 submitters: Uncertain significance (2). Last evaluated 2026-05-28.

Conditions:
FHOD3-related disorder. Also called: FHOD3-related condition.
Inborn genetic diseases. Identifiers: MedGen C0950123, MeSH D030342.

Submissions (2):

PreventionGenetics, part of Exact Sciences
Classification: Uncertain significance for FHOD3-related condition. Last evaluated: 2026-05-28. Review status: criteria provided, single submitter. Criteria: ACMG Guidelines, 2015. Collection method: clinical testing. Allele origin: germline.
Comment: The FHOD3 c.3193C>G variant is predicted to result in the amino acid substitution p.Gln1065Glu. To our knowledge, this variant has not been reported in the literature. This variant is reported in 0.018% of alleles in individuals of African descent in gnomAD. Although we suspect that this variant may be benign, at this time, the clinical significance of this variant is uncertain due to the absence of conclusive functional and genetic evidence.

Ambry Genetics
Classification: Uncertain significance for Inborn genetic diseases. Last evaluated: 2025-04-25. Review status: criteria provided, single submitter. Criteria: Ambry Variant Classification Scheme 2023. Collection method: clinical testing. Allele origin: germline.

NM_001281740.3(FHOD3):c.3193C>G (p.Gln1065Glu)

Gene: FHOD3 (formin homology 2 domain containing 3; plus strand). Cytogenetic location: 18q12.2.
Variant type: single nucleotide variant.
Coding change: c.3193C>G on transcript NM_001281740.3 (MANE Select); coding-DNA position 3193, C replaced by G.
Protein change: p.Gln1065Glu; replaces glutamine 1065 with glutamic acid.
Molecular consequence: missense variant.
Genome position (GRCh38, 1-based): chr18:36,718,491, C>G. VCF-style: chr18-36718491-C-G. GRCh37 (hg19) VCF-style: chr18-34298454-C-G.
Other names: c.3193C>G (NM_001281740.2); c.2617C>G, p.Gln873Glu (NM_001281739.3); c.2668C>G, p.Gln890Glu (NM_025135.5); short protein forms Q1065E, Q873E, Q890E.
Identifiers: ClinVar variation 4025005 (VCV004025005.2).